The following is an entry in ClinVar:

ClinVar aggregate classification (germline): Likely benign (1 of 4 stars; one submission).

Allele frequency attached by ClinVar (database versions not stated): 1000 Genomes Project 30x 0.00109; 1000 Genomes Project 0.00120; ESP Exome Variant Server 0.00185; TOPMed 0.00198; gnomAD exomes 0.00366; ExAC 0.00471; gnomAD 0.00490.
gnomAD v4.1: 5,986 of 1,604,076 alleles (0.37%); highest among the groups gnomAD compares: Non-Finnish European, 0.33%; 45 homozygotes.

Submission:

CeGaT Center for Human Genetics Tuebingen
Classification: Likely benign. Last evaluated: 2022-07-01. Review status: criteria provided, single submitter. Criteria: CeGaT Center For Human Genetics Tuebingen Variant Classification Criteria Version 2. Collection method: clinical testing. Allele origin: germline. Affected: yes. Observed: 2 variant alleles.
Comment: ENKUR: BP4, BS2

NM_145010.4(ENKUR):c.83T>A (p.Ile28Lys)

Genes: ENKUR (enkurin, TRPC channel interacting protein; minus strand), THNSL1 (threonine synthase like 1; plus strand). Cytogenetic location: 10p12.1.
Variant type: single nucleotide variant.
Coding change: c.83T>A on transcript NM_145010.4 (MANE Select); coding-DNA position 83, T replaced by A.
Protein change: p.Ile28Lys; replaces isoleucine 28 with lysine.
Molecular consequence: missense variant. On other transcripts: non-coding transcript variant (1), intron variant (1).
Genome position (GRCh38, 1-based): chr10:24,999,541, A>T on the plus strand (T>A on the coding strand, the complement: ENKUR is on the minus strand). VCF-style: chr10-24999541-A-T. GRCh37 (hg19) VCF-style: chr10-25288470-A-T.
Other names: c.38-3672T>A (NM_001270383.2); short protein forms I28K.
Identifiers: ClinVar variation 2640358 (VCV002640358.24), dbSNP rs41279884, ClinGen allele CA5442799.